The following is an entry in ClinVar:

NM_000540.3(RYR1):c.8977C>A (p.Gln2993Lys)

Gene: RYR1 (ryanodine receptor 1; plus strand). Cytogenetic location: 19q13.2.
Variant type: single nucleotide variant.
Coding change: c.8977C>A on transcript NM_000540.3 (MANE Select); coding-DNA position 8977, C replaced by A.
Protein change: p.Gln2993Lys; replaces glutamine 2993 with lysine.
Molecular consequence: missense variant.
Genome position (GRCh38, 1-based): chr19:38,510,542, C>A. VCF-style: chr19-38510542-C-A. GRCh37 (hg19) VCF-style: chr19-39001182-C-A.
Other names: c.8977C>A, p.Gln2993Lys (NM_001042723.2); short protein forms Q2993K.
Identifiers: ClinVar variation 2582972 (VCV002582972.25), dbSNP rs774178720, ClinGen allele CA405683439.

ClinVar aggregate classification (germline): Uncertain significance (1 of 4 stars; one submission).

gnomAD v4.1: 2 of 1,614,148 alleles (0.00012%); highest among the groups gnomAD compares: Non-Finnish European, 0.00017%; no homozygotes.

Submission:

CeGaT Center for Human Genetics Tuebingen
Classification: Uncertain significance. Last evaluated: 2023-09-01. Review status: criteria provided, single submitter. Criteria: CeGaT Center For Human Genetics Tuebingen Variant Classification Criteria Version 2. Collection method: clinical testing. Allele origin: germline. Affected: yes. Observed: 1 variant allele.
Comment: RYR1: PM2